The following is an entry in ClinVar:

ClinVar aggregate classification (germline): Benign/Likely benign. Review status: criteria provided, multiple submitters, no conflicts (2 of 4 stars). 3 submissions from 3 submitters: Benign (2); Likely benign (1). Last evaluated 2020-02-18.

Conditions:
Colorectal cancer, hereditary nonpolyposis, type 7. Identifiers: Orphanet 144, MedGen C1858380, MONDO:0013725, OMIM 614385.

Allele frequency attached by ClinVar (database versions not stated): 1000 Genomes Project 0.36522; 1000 Genomes Project 30x 0.36946; gnomAD exomes 0.40894; TOPMed 0.41144; gnomAD 0.42253 and 0.42508.

Submissions (3):

GeneDx
Classification: Benign. Last evaluated: 2020-02-18. Review status: criteria provided, single submitter. Criteria: GeneDx Variant Classification Process June 2021. Collection method: clinical testing. Allele origin: germline. Affected: yes.
Comment: This variant is associated with the following publications: (PMID: 29516665)

Illumina Laboratory Services, Illumina
Classification: Benign for Colorectal cancer, hereditary nonpolyposis, type 7. Last evaluated: 2018-01-12. Review status: criteria provided, single submitter. Criteria: ICSL Variant Classification Criteria 13 December 2019. Collection method: clinical testing. Allele origin: germline.
Comment: This variant was observed in the ICSL laboratory as part of a predisposition screen in an ostensibly healthy population. It had not been previously curated by ICSL or reported in the Human Gene Mutation Database (HGMD: prior to June 1st, 2018), and was therefore a candidate for classification through an automated scoring system. Utilizing variant allele frequency, disease prevalence and penetrance estimates, and inheritance mode, an automated score was calculated to assess if this variant is too frequent to cause the disease. Based on the score and internal cut-off values, a variant classified as benign is not then subjected to further curation. The score for this variant resulted in a classification of benign for this disease.

Breakthrough Genomics
Classification: Likely benign. Review status: criteria provided, single submitter. Criteria: ACMG Guidelines, 2015. Collection method: not provided. Allele origin: germline. Inheritance: Autosomal dominant inheritance. Affected: yes.

NM_001040108.2(MLH3):c.*3148A>G

Gene: MLH3 (mutL homolog 3; minus strand). Cytogenetic location: 14q24.3.
Variant type: single nucleotide variant.
Coding change: c.*3148A>G on transcript NM_001040108.2 (MANE Select); 3148 bases downstream of the stop codon, A replaced by G.
Molecular consequence: 3 prime UTR variant.
Genome position (GRCh38, 1-based): chr14:75,013,934, T>C on the plus strand (A>G on the coding strand, the complement: MLH3 is on the minus strand). VCF-style: chr14-75013934-T-C. GRCh37 (hg19) VCF-style: chr14-75480637-T-C.
Other names: c.*3148A>G (NM_014381.3).
Identifiers: ClinVar variation 314345 (VCV000314345.8), dbSNP rs108621, ClinGen allele CA10644927.